The following is an entry in ClinVar:

NM_138927.4(SON):c.846A>G (p.Thr282=)

Gene: SON (SON DNA and RNA binding protein; plus strand). Cytogenetic location: 21q22.11.
Variant type: single nucleotide variant.
Coding change: c.846A>G on transcript NM_138927.4 (MANE Select); coding-DNA position 846, A replaced by G.
Protein change: p.Thr282=; no amino-acid change (threonine 282 retained).
Molecular consequence: synonymous variant. On other transcripts: non-coding transcript variant (1), intron variant (1).
Genome position (GRCh38, 1-based): chr21:33,550,077, A>G. VCF-style: chr21-33550077-A-G. GRCh37 (hg19) VCF-style: chr21-34922383-A-G.
Other names: c.846A>G, p.Thr282= (NM_001291411.2, NM_032195.3); c.244+3698A>G (NM_001291412.3).
Identifiers: ClinVar variation 1661216 (VCV001661216.19), dbSNP rs200857309, ClinGen allele CA10008763.
Genomic context (GRCh38, chr21:33,550,077, plus strand): 5'-AGTTGTAACAATGTCAGTGGAGTATCAGATGAAGTCTGTGCTGAAATCTGTGGAGAGCAC[A>G]TCTCCAGAGCCATCAAAGATCATGTTGGTAGAGCCCCCAGTAGCAAAAGTGTTAGAGCCT-3'
Protein context (NP_620305.3, residues 272-292): MKSVLKSVES[Thr282=]SPEPSKIMLV

ClinVar aggregate classification (germline): Likely benign. Review status: criteria provided, multiple submitters, no conflicts (2 of 4 stars). 3 submissions from 3 submitters: Likely benign (3). Last evaluated 2026-01-26.

Allele frequency attached by ClinVar (database versions not stated): ExAC 0.00001; gnomAD 0.00001; gnomAD exomes 0.00001 and 0.00003; TOPMed 0.00002; 1000 Genomes Project 30x 0.00016; 1000 Genomes Project 0.00020.

Submissions (3):

Labcorp Genetics (formerly Invitae), Labcorp
Classification: Likely benign. Last evaluated: 2026-01-26. Review status: criteria provided, single submitter. Criteria: Invitae Variant Classification Sherloc (09022015). Collection method: clinical testing. Allele origin: germline.

CeGaT Center for Human Genetics Tuebingen
Classification: Likely benign. Last evaluated: 2025-05-01. Review status: criteria provided, single submitter. Criteria: CeGaT Center For Human Genetics Tuebingen Variant Classification Criteria Version 2. Collection method: clinical testing. Allele origin: germline. Affected: yes. Observed: 1 variant allele.
Comment: SON: BP4, BP7

Blueprint Genetics
Classification: Likely benign. Last evaluated: 2024-03-14. Review status: criteria provided, single submitter. Criteria: ACMG Guidelines, 2015. Collection method: clinical testing. Allele origin: germline.